The following is an entry in ClinVar:

ClinVar aggregate classification (germline): Uncertain significance (1 of 4 stars; one submission).

gnomAD v4.1: 70 of 1,613,776 alleles (0.0043%); highest among the groups gnomAD compares: Non-Finnish European, 0.0058%; no homozygotes.

Submission:

Labcorp Genetics (formerly Invitae), Labcorp
Classification: Uncertain significance. Last evaluated: 2024-05-21. Review status: criteria provided, single submitter. Criteria: Invitae Variant Classification Sherloc (09022015). Collection method: clinical testing. Allele origin: germline.
Comment: This sequence change replaces threonine, which is neutral and polar, with isoleucine, which is neutral and non-polar, at codon 8 of the PMP2 protein (p.Thr8Ile). This variant is present in population databases (rs745538413, gnomAD 0.01%). This variant has not been reported in the literature in individuals affected with PMP2-related conditions. An algorithm developed to predict the effect of missense changes on protein structure and function (PolyPhen-2) suggests that this variant is likely to be tolerated. In summary, the available evidence is currently insufficient to determine the role of this variant in disease. Therefore, it has been classified as a Variant of Uncertain Significance.

NM_002677.5(PMP2):c.23C>T (p.Thr8Ile)

Gene: PMP2 (peripheral myelin protein 2; minus strand). Cytogenetic location: 8q21.13.
Variant type: single nucleotide variant.
Coding change: c.23C>T on transcript NM_002677.5 (MANE Select); coding-DNA position 23, C replaced by T.
Protein change: p.Thr8Ile; replaces threonine 8 with isoleucine.
Molecular consequence: missense variant.
Genome position (GRCh38, 1-based): chr8:81,447,364, G>A on the plus strand (C>T on the coding strand, the complement: PMP2 is on the minus strand). VCF-style: chr8-81447364-G-A. GRCh37 (hg19) VCF-style: chr8-82359599-G-A.
Other names: c.23C>T, p.Thr8Ile (NM_001348381.2); short protein forms T8I.
Identifiers: ClinVar variation 3633706 (VCV003633706.2).